The following is an entry in ClinVar:

NM_198578.4(LRRK2):c.2485T>G (p.Leu829Val)

Gene: LRRK2 (leucine rich repeat kinase 2; plus strand). Cytogenetic location: 12q12.
Variant type: single nucleotide variant.
Coding change: c.2485T>G on transcript NM_198578.4 (MANE Select); coding-DNA position 2485, T replaced by G.
Protein change: p.Leu829Val; replaces leucine 829 with valine.
Molecular consequence: missense variant.
Genome position (GRCh38, 1-based): chr12:40,284,118, T>G. VCF-style: chr12-40284118-T-G. GRCh37 (hg19) VCF-style: chr12-40677920-T-G.
Other names: short protein forms L829V.
Identifiers: ClinVar variation 1791985 (VCV001791985.2), dbSNP rs2499665519, ClinGen allele CA384407601.
Genomic context (GRCh38, chr12:40,284,118, plus strand): 5'-TGTATAGGAAAAGTTGAACCTTCTTGGCTTGGTCCTTTATTTCCAGATAAGACTTCTAAT[T>G]TAAGGAAACAAACAAGTAAGTAACAAGGAGAATATTTTTTACAATTCTTATTTTTAATAG-3'
Protein context (NP_940980.4, residues 819-839): GPLFPDKTSN[Leu829Val]RKQTNIASTL

ClinVar aggregate classification (germline): Uncertain significance (1 of 4 stars; one submission).

Conditions:
Inborn genetic diseases. Identifiers: MedGen C0950123, MeSH D030342.

Submission:

Ambry Genetics
Classification: Uncertain significance for Inborn genetic diseases. Last evaluated: 2022-04-19. Review status: criteria provided, single submitter. Criteria: Ambry Variant Classification Scheme 2023. Collection method: clinical testing. Allele origin: germline.
Comment: The p.L829V variant (also known as c.2485T>G), located in coding exon 19 of the LRRK2 gene, results from a T to G substitution at nucleotide position 2485. The leucine at codon 829 is replaced by valine, an amino acid with highly similar properties. This amino acid position is conserved. In addition, this alteration is predicted to be tolerated by in silico analysis. Since supporting evidence is limited at this time, the clinical significance of this alteration remains unclear.